The following is an entry in ClinVar:

NM_001267550.2(TTN):c.64100C>A (p.Pro21367Gln)

Genes: TTN (titin; minus strand), TTN-AS1 (TTN antisense RNA 1; plus strand). Cytogenetic location: 2q31.2.
Variant type: single nucleotide variant.
Coding change: c.64100C>A on transcript NM_001267550.2 (MANE Select); coding-DNA position 64100, C replaced by A.
Protein change: p.Pro21367Gln; replaces proline 21367 with glutamine.
Molecular consequence: missense variant.
Genome position (GRCh38, 1-based): chr2:178,586,801, G>T on the plus strand (C>A on the coding strand, the complement: TTN is on the minus strand). VCF-style: chr2-178586801-G-T. GRCh37 (hg19) VCF-style: chr2-179451528-G-T.
Other names: c.59177C>A, p.Pro19726Gln (NM_001256850.1); c.36905C>A, p.Pro12302Gln (NM_003319.4); c.56396C>A, p.Pro18799Gln (NM_133378.4); c.37280C>A, p.Pro12427Gln (NM_133432.3); c.37481C>A, p.Pro12494Gln (NM_133437.4); short protein forms P12302Q, P21367Q, P12427Q, P18799Q, P12494Q, P19726Q.
Identifiers: ClinVar variation 518986 (VCV000518986.6), dbSNP rs754581725, ClinGen allele CA349443950.

ClinVar aggregate classification (germline): Uncertain significance. Review status: criteria provided, multiple submitters, no conflicts (2 of 4 stars). 2 submissions from 2 submitters: Uncertain significance (2). Last evaluated 2024-07-02.

Conditions:
Cardiovascular phenotype. Identifiers: MedGen CN230736.

Submissions (2):

Women's Health and Genetics/Laboratory Corporation of America, LabCorp
Classification: Uncertain significance. Last evaluated: 2024-07-02. Review status: criteria provided, single submitter. Criteria: LabCorp Variant Classification Summary - May 2015. Collection method: clinical testing. Allele origin: germline.
Comment: Variant summary: TTN c.56396C>A (p.Pro18799Gln) results in a non-conservative amino acid change located in the A-band domain of the encoded protein sequence. Four of four in-silico tools predict a damaging effect of the variant on protein function. The variant was absent in 244076 control chromosomes. The available data on variant occurrences in the general population are insufficient to allow any conclusion about variant significance. To our knowledge, no occurrence of c.56396C>A in individuals affected with Limb-Girdle Muscular Dystrophy, Type 2J and no experimental evidence demonstrating its impact on protein function have been reported. ClinVar contains an entry for this variant (Variation ID: 518986). Based on the evidence outlined above, the variant was classified as uncertain significance.

Ambry Genetics
Classification: Uncertain significance for Cardiovascular phenotype. Last evaluated: 2017-02-17. Review status: criteria provided, single submitter. Criteria: Ambry Variant Classification Scheme 2023. Collection method: clinical testing. Allele origin: germline.
Comment: The p.P12302Q variant (also known as c.36905C>A), located in coding exon 135 of the TTN gene, results from a C to A substitution at nucleotide position 36905. The proline at codon 12302 is replaced by glutamine, an amino acid with similar properties. This amino acid position is highly conserved in available vertebrate species. In addition, the in silico prediction for this alteration is inconclusive. Since supporting evidence is limited at this time, the clinical significance of this alteration remains unclear.